The following is an entry in ClinVar:

NM_014140.4(SMARCAL1):c.2306A>G (p.Gln769Arg)

Gene: SMARCAL1 (SNF2 related chromatin remodeling annealing helicase 1; plus strand). Cytogenetic location: 2q35.
Variant type: single nucleotide variant.
Coding change: c.2306A>G on transcript NM_014140.4 (MANE Select); coding-DNA position 2306, A replaced by G.
Protein change: p.Gln769Arg; replaces glutamine 769 with arginine.
Molecular consequence: missense variant.
Genome position (GRCh38, 1-based): chr2:216,475,330, A>G. VCF-style: chr2-216475330-A-G. GRCh37 (hg19) VCF-style: chr2-217340053-A-G.
Other names: c.2306A>G, p.Gln769Arg (NM_001127207.2); short protein forms Q769R.
Identifiers: ClinVar variation 1998851 (VCV001998851.4), dbSNP rs2469047567, ClinGen allele CA350504034.

ClinVar aggregate classification (germline): Uncertain significance (1 of 4 stars; one submission).

Conditions:
Schimke immuno-osseous dysplasia (SIOD). Also called: Schimke Immunoosseous Dysplasia. Identifiers: Orphanet 1830, MedGen C0877024, MONDO:0009458, OMIM 242900.

Submission:

Labcorp Genetics (formerly Invitae), Labcorp
Classification: Uncertain significance for Schimke immuno-osseous dysplasia. Last evaluated: 2022-05-25. Review status: criteria provided, single submitter. Criteria: Invitae Variant Classification Sherloc (09022015). Collection method: clinical testing. Allele origin: germline.
Comment: This variant is not present in population databases (gnomAD no frequency). In summary, the available evidence is currently insufficient to determine the role of this variant in disease. Therefore, it has been classified as a Variant of Uncertain Significance. Algorithms developed to predict the effect of missense changes on protein structure and function are either unavailable or do not agree on the potential impact of this missense change (SIFT: "Tolerated"; PolyPhen-2: "Possibly Damaging"; Align-GVGD: "Class C0"). This variant has not been reported in the literature in individuals affected with SMARCAL1-related conditions. This sequence change replaces glutamine, which is neutral and polar, with arginine, which is basic and polar, at codon 769 of the SMARCAL1 protein (p.Gln769Arg).